The following is an entry in ClinVar:

NM_004104.5(FASN):c.1366G>A (p.Asp456Asn)

Gene: FASN (fatty acid synthase; minus strand). Cytogenetic location: 17q25.3.
Variant type: single nucleotide variant.
Coding change: c.1366G>A on transcript NM_004104.5 (MANE Select); coding-DNA position 1366, G replaced by A.
Protein change: p.Asp456Asn; replaces aspartic acid 456 with asparagine.
Molecular consequence: missense variant.
Genome position (GRCh38, 1-based): chr17:82,091,348, C>T on the plus strand (G>A on the coding strand, the complement: FASN is on the minus strand). VCF-style: chr17-82091348-C-T. GRCh37 (hg19) VCF-style: chr17-80049224-C-T.
Other names: c.1366G>A (NM_004104.4); short protein forms D456N.
Identifiers: ClinVar variation 1422970 (VCV001422970.7), dbSNP rs771224276, ClinGen allele CA8853190.

ClinVar aggregate classification (germline): Uncertain significance. Review status: criteria provided, multiple submitters, no conflicts (2 of 4 stars). 2 submissions from 2 submitters: Uncertain significance (2). Last evaluated 2025-05-04.

Conditions:
Epileptic encephalopathy. Identifiers: MedGen C0543888, HP:0200134.

Allele frequency attached by ClinVar (database versions not stated): gnomAD 0.00001; TOPMed 0.00005; ExAC 0.00007.
gnomAD v4.1: 23 of 1,610,692 alleles (0.0014%); highest among the groups gnomAD compares: Middle Eastern, 0.016%; no homozygotes.

Submissions (2):

Ambry Genetics
Classification: Uncertain significance. Last evaluated: 2025-05-04. Review status: criteria provided, single submitter. Criteria: Ambry Variant Classification Scheme 2023. Collection method: clinical testing. Allele origin: germline.

Labcorp Genetics (formerly Invitae), Labcorp
Classification: Uncertain significance for Epileptic encephalopathy. Last evaluated: 2023-08-04. Review status: criteria provided, single submitter. Criteria: Invitae Variant Classification Sherloc (09022015). Collection method: clinical testing. Allele origin: germline.
Comment: In summary, the available evidence is currently insufficient to determine the role of this variant in disease. Therefore, it has been classified as a Variant of Uncertain Significance. Algorithms developed to predict the effect of missense changes on protein structure and function output the following: SIFT: "Not Available"; PolyPhen-2: "Benign"; Align-GVGD: "Not Available". The asparagine amino acid residue is found in multiple mammalian species, which suggests that this missense change does not adversely affect protein function. ClinVar contains an entry for this variant (Variation ID: 1422970). This variant has not been reported in the literature in individuals affected with FASN-related conditions. This variant is present in population databases (rs771224276, gnomAD 0.02%). This sequence change replaces aspartic acid, which is acidic and polar, with asparagine, which is neutral and polar, at codon 456 of the FASN protein (p.Asp456Asn).